The following is an entry in ClinVar:

NM_001408.3(CELSR2):c.3503A>G (p.Asn1168Ser)

Gene: CELSR2 (cadherin EGF LAG seven-pass G-type receptor 2; plus strand). Cytogenetic location: 1p13.3.
Variant type: single nucleotide variant.
Coding change: c.3503A>G on transcript NM_001408.3 (MANE Select); coding-DNA position 3503, A replaced by G.
Protein change: p.Asn1168Ser; replaces asparagine 1168 with serine.
Molecular consequence: missense variant.
Genome position (GRCh38, 1-based): chr1:109,258,624, A>G. VCF-style: chr1-109258624-A-G. GRCh37 (hg19) VCF-style: chr1-109801246-A-G.
Other names: short protein forms N1168S.
Identifiers: ClinVar variation 3689850 (VCV003689850.2).

ClinVar aggregate classification (germline): Uncertain significance (1 of 4 stars; one submission).

Submission:

Labcorp Genetics (formerly Invitae), Labcorp
Classification: Uncertain significance. Last evaluated: 2024-09-27. Review status: criteria provided, single submitter. Criteria: Invitae Variant Classification Sherloc (09022015). Collection method: clinical testing. Allele origin: germline.
Comment: This sequence change replaces asparagine, which is neutral and polar, with serine, which is neutral and polar, at codon 1168 of the CELSR2 protein (p.Asn1168Ser). This variant is present in population databases (no rsID available, gnomAD 0.001%). This variant has not been reported in the literature in individuals affected with CELSR2-related conditions. Invitae Evidence Modeling of protein sequence and biophysical properties (such as structural, functional, and spatial information, amino acid conservation, physicochemical variation, residue mobility, and thermodynamic stability) indicates that this missense variant is not expected to disrupt CELSR2 protein function with a negative predictive value of 80%. In summary, the available evidence is currently insufficient to determine the role of this variant in disease. Therefore, it has been classified as a Variant of Uncertain Significance.